The following is an entry in ClinVar:

NM_000238.4(KCNH2):c.-28_-7del

Gene: KCNH2 (potassium voltage-gated channel subfamily H member 2; minus strand). Cytogenetic location: 7q36.1.
Variant type: Deletion.
Coding change: c.-28_-7del on transcript NM_000238.4 (MANE Select); 28 bases upstream of the start codon through 7 bases upstream of the start codon, 22 bases deleted (GCCCGCCCGGCCCGCCCATGGG).
Molecular consequence: 5 prime UTR variant.
Genome position (GRCh38, 1-based): chr7:150,977,920-150,977,941, CCCATGGGCGGGCCGGGCGGGC deleted on the plus strand (GCCCGCCCGGCCCGCCCATGGG on the coding strand, the reverse complement: KCNH2 is on the minus strand); deleting any 22 consecutive bases within chr7:150,977,920-150,977,944 gives the same sequence; the c. name uses the placement nearest the transcript's 3' end. VCF-style (leftmost placement, unchanged base first): chr7-150977919-GCCCATGGGCGGGCCGGGCGGGC-G. GRCh37 (hg19) VCF-style: chr7-150675007-GCCCATGGGCGGGCCGGGCGGGC-G.
Other names: c.-31_-10del22 (NM_000238.3, NM_172056.3).
Identifiers: ClinVar variation 925937 (VCV000925937.6), dbSNP rs1802018343, ClinGen allele CA913187651.

ClinVar aggregate classification (germline): Uncertain significance (1 of 4 stars; one submission).

Conditions:
Cardiac arrhythmia. Also called: Cardiac rhythm disease; Arrhythmia. Identifiers: MedGen C0003811, MONDO:0007263, HP:0011675.

Submission:

Color Diagnostics, LLC DBA Color Health
Classification: Uncertain significance for Cardiac arrhythmia. Last evaluated: 2018-12-10. Review status: criteria provided, single submitter. Criteria: ACMG Guidelines, 2015. Collection method: clinical testing. Allele origin: germline.
Comment: Variant of Uncertain Significance due to insufficient evidence: This variant causes a deletion of 22 nucleotides in the 5' untranslated region of the KCNH2 gene. To our knowledge, functional assays have not been performed for this variant nor has this variant been reported in individuals affected with cardiovascular disorders in the literature. This variant is rare in the general population and has been identified in 0/277264 chromosomes by the Genome Aggregation Database (gnomAD). Available evidence is insufficient to determine the pathogenicity of this variant conclusively.